The following is an entry in ClinVar:

ClinVar aggregate classification (germline): Uncertain significance (1 of 4 stars; one submission).

Allele frequency attached by ClinVar (database versions not stated): gnomAD exomes below 0.00001.
gnomAD v4.1: 3 of 1,614,122 alleles (0.00019%); highest among the groups gnomAD compares: African/African-American, 0.0027%; no homozygotes.

Submission:

Labcorp Genetics (formerly Invitae), Labcorp
Classification: Uncertain significance. Last evaluated: 2022-05-05. Review status: criteria provided, single submitter. Criteria: Invitae Variant Classification Sherloc (09022015). Collection method: clinical testing. Allele origin: germline.
Comment: This sequence change replaces arginine, which is basic and polar, with serine, which is neutral and polar, at codon 431 of the FTO protein (p.Arg431Ser). This variant is present in population databases (no rsID available, gnomAD 0.003%). This variant has not been reported in the literature in individuals affected with FTO-related conditions. Algorithms developed to predict the effect of missense changes on protein structure and function (SIFT, PolyPhen-2, Align-GVGD) all suggest that this variant is likely to be tolerated. In summary, the available evidence is currently insufficient to determine the role of this variant in disease. Therefore, it has been classified as a Variant of Uncertain Significance.

NM_001080432.3(FTO):c.1293G>C (p.Arg431Ser)

Gene: FTO (FTO alpha-ketoglutarate dependent dioxygenase; plus strand). Cytogenetic location: 16q12.2.
Variant type: single nucleotide variant.
Coding change: c.1293G>C on transcript NM_001080432.3 (MANE Select); coding-DNA position 1293, G replaced by C.
Protein change: p.Arg431Ser; replaces arginine 431 with serine.
Molecular consequence: missense variant. On other transcripts: non-coding transcript variant (1), intron variant (2).
Genome position (GRCh38, 1-based): chr16:53,934,038, G>C. VCF-style: chr16-53934038-G-C. GRCh37 (hg19) VCF-style: chr16-53967950-G-C.
Other names: c.1323G>C, p.Arg441Ser (NM_001363891.2); c.1356G>C, p.Arg452Ser (NM_001363894.2); c.1215G>C, p.Arg405Ser (NM_001363897.2); c.1179G>C, p.Arg393Ser (NM_001363898.2, NM_001363899.2); c.1149G>C, p.Arg383Ser (NM_001363900.2, NM_001363901.2); c.780G>C, p.Arg260Ser (NM_001363905.2); c.1293G>C, p.Arg431Ser (NM_001363988.2, NM_001438128.1, NM_001438129.1 and 1 more transcripts); c.1240-22645G>C (NM_001363896.2); and 1 more; short protein forms R383S, R393S, R431S, R452S, R260S, R405S, R441S.
Identifiers: ClinVar variation 1969465 (VCV001969465.5), dbSNP rs1488347423, ClinGen allele CA396123026.